The following is an entry in ClinVar:

NM_005189.3(CBX2):c.409C>T (p.Arg137Cys)

Gene: CBX2 (chromobox 2; plus strand). Cytogenetic location: 17q25.3.
Variant type: single nucleotide variant.
Coding change: c.409C>T on transcript NM_005189.3 (MANE Select); coding-DNA position 409, C replaced by T.
Protein change: p.Arg137Cys; replaces arginine 137 with cysteine.
Molecular consequence: missense variant.
Genome position (GRCh38, 1-based): chr17:79,783,852, C>T. VCF-style: chr17-79783852-C-T. GRCh37 (hg19) VCF-style: chr17-77757651-C-T.
Other names: short protein forms R137C.
Identifiers: ClinVar variation 3611025 (VCV003611025.2).
Genomic context (GRCh38, chr17:79,783,852, plus strand): 5'-TCCTCTTCCTCAGATGAAGAGGATGACAGTGACTTAGATGCTAAGAGGGGTCCCCGGGGC[C>T]GCGAGACCCACCCAGTGCCGCAGAAGAAGGCCCAGATCCTGGTGGCCAAACCCGAGCTGA-3'
Protein context (NP_005180.1, residues 127-147): DLDAKRGPRG[Arg137Cys]ETHPVPQKKA

ClinVar aggregate classification (germline): Uncertain significance (1 of 4 stars; one submission).

gnomAD v4.1: 5 of 1,613,510 alleles (0.00031%); highest among the groups gnomAD compares: South Asian, 0.0011%; no homozygotes.

Submission:

Labcorp Genetics (formerly Invitae), Labcorp
Classification: Uncertain significance. Last evaluated: 2024-04-08. Review status: criteria provided, single submitter. Criteria: Invitae Variant Classification Sherloc (09022015). Collection method: clinical testing. Allele origin: germline.
Comment: This sequence change replaces arginine, which is basic and polar, with cysteine, which is neutral and slightly polar, at codon 137 of the CBX2 protein (p.Arg137Cys). This variant is not present in population databases (gnomAD no frequency). This variant has not been reported in the literature in individuals affected with CBX2-related conditions. Advanced modeling of protein sequence and biophysical properties (such as structural, functional, and spatial information, amino acid conservation, physicochemical variation, residue mobility, and thermodynamic stability) performed at Invitae indicates that this missense variant is expected to disrupt CBX2 protein function with a positive predictive value of 80%. In summary, the available evidence is currently insufficient to determine the role of this variant in disease. Therefore, it has been classified as a Variant of Uncertain Significance.